The following is an entry in ClinVar:

ClinVar aggregate classification (germline): Uncertain significance (1 of 4 stars; one submission).

Conditions:
Progressive familial heart block type IB (PFHB1B). Identifiers: Orphanet 871, MedGen C1970298, MONDO:0011474, OMIM 604559.

Submission:

Labcorp Genetics (formerly Invitae), Labcorp
Classification: Uncertain significance for Progressive familial heart block type IB. Last evaluated: 2025-11-22. Review status: criteria provided, single submitter. Criteria: Invitae Variant Classification Sherloc (09022015). Collection method: clinical testing. Allele origin: germline.
Comment: This sequence change replaces histidine, which is basic and polar, with glutamine, which is neutral and polar, at codon 165 of the TRPM4 protein (p.His165Gln). This variant is not present in population databases (gnomAD no frequency). This variant has not been reported in the literature in individuals affected with TRPM4-related conditions. ClinVar contains an entry for this variant (Variation ID: 1412286). An algorithm developed to predict the effect of missense changes on protein structure and function (PolyPhen-2) suggests that this variant is likely to be disruptive. In summary, the available evidence is currently insufficient to determine the role of this variant in disease. Therefore, it has been classified as a Variant of Uncertain Significance.

NM_017636.4(TRPM4):c.495T>A (p.His165Gln)

Gene: TRPM4 (transient receptor potential cation channel subfamily M member 4; plus strand). Cytogenetic location: 19q13.33.
Variant type: single nucleotide variant.
Coding change: c.495T>A on transcript NM_017636.4 (MANE Select); coding-DNA position 495, T replaced by A.
Protein change: p.His165Gln; replaces histidine 165 with glutamine.
Molecular consequence: missense variant. On other transcripts: 5 prime UTR variant (2), intron variant (2).
Genome position (GRCh38, 1-based): chr19:49,168,306, T>A. VCF-style: chr19-49168306-T-A. GRCh37 (hg19) VCF-style: chr19-49671563-T-A.
Other names: c.495T>A, p.His165Gln (NM_001195227.2); c.-1059T>A (NM_001321282.2); c.-28T>A (NM_001321283.2); c.268-247T>A (NM_001321281.2); c.-237-247T>A (NM_001321285.2); short protein forms H165Q.
Identifiers: ClinVar variation 1412286 (VCV001412286.6), dbSNP rs1967310186, ClinGen allele CA406791076.
Genomic context (GRCh38, chr19:49,168,306, plus strand): 5'-CGGCGTCTGTGTAGGAGCCTGGATTGTCACTGGGGGTCTGCACACGGGCATCGGCCGGCA[T>A]GTTGGTGTGGCTGTACGGGACCATCAGATGGCCAGCACTGGGGGCACCAAGGTGGTGGCC-3'
Protein context (NP_060106.2, residues 155-175): TGGLHTGIGR[His165Gln]VGVAVRDHQM